The following is an entry in ClinVar:

NM_205836.3(FBXO38):c.2426A>C (p.Asp809Ala)

Gene: FBXO38 (F-box protein 38; plus strand). Cytogenetic location: 5q32.
Variant type: single nucleotide variant.
Coding change: c.2426A>C on transcript NM_205836.3 (MANE Select); coding-DNA position 2426, A replaced by C.
Protein change: p.Asp809Ala; replaces aspartic acid 809 with alanine.
Molecular consequence: missense variant. On other transcripts: intron variant (1).
Genome position (GRCh38, 1-based): chr5:148,427,720, A>C. VCF-style: chr5-148427720-A-C. GRCh37 (hg19) VCF-style: chr5-147807283-A-C.
Other names: c.2426A>C, p.Asp809Ala (NM_030793.5); c.1918+2019A>C (NM_001271723.2); short protein forms D809A.
Identifiers: ClinVar variation 1997388 (VCV001997388.4), dbSNP rs2531812192, ClinGen allele CA361657758.

ClinVar aggregate classification (germline): Uncertain significance (1 of 4 stars; one submission).

Conditions:
Distal hereditary motor neuropathy type 2. Identifiers: Orphanet 139525, MedGen C3711384, MeSH C580044, MONDO:0015352.

Submission:

Labcorp Genetics (formerly Invitae), Labcorp
Classification: Uncertain significance for Distal hereditary motor neuropathy type 2. Last evaluated: 2022-05-21. Review status: criteria provided, single submitter. Criteria: Invitae Variant Classification Sherloc (09022015). Collection method: clinical testing. Allele origin: germline.
Comment: In summary, the available evidence is currently insufficient to determine the role of this variant in disease. Therefore, it has been classified as a Variant of Uncertain Significance. Algorithms developed to predict the effect of missense changes on protein structure and function are either unavailable or do not agree on the potential impact of this missense change (SIFT: "Tolerated"; PolyPhen-2: "Probably Damaging"; Align-GVGD: "Class C0"). This variant has not been reported in the literature in individuals affected with FBXO38-related conditions. This variant is not present in population databases (gnomAD no frequency). This sequence change replaces aspartic acid, which is acidic and polar, with alanine, which is neutral and non-polar, at codon 809 of the FBXO38 protein (p.Asp809Ala).